The following is an entry in ClinVar:

ClinVar aggregate classification (germline): Uncertain significance (1 of 4 stars; one submission).

gnomAD v4.1: 1 of 1,560,542 alleles (0.000064%); highest among the groups gnomAD compares: Non-Finnish European, 0.000087%; no homozygotes.

Submission:

GeneDx
Classification: Uncertain significance. Last evaluated: 2025-03-31. Review status: criteria provided, single submitter. Criteria: GeneDx Variant Classification Process June 2021. Collection method: clinical testing. Allele origin: germline. Affected: yes.
Comment: Not observed at significant frequency in large population cohorts (gnomAD); In silico analysis indicates that this missense variant does not alter protein structure/function; Has not been previously published as pathogenic or benign to our knowledge; Reported using an alternate transcript of the gene

NM_000719.7(CACNA1C):c.5444+616G>A

Genes: CACNA1C (calcium voltage-gated channel subunit alpha1 C; plus strand), CACNA1C-AS1 (CACNA1C antisense RNA 1; minus strand). Cytogenetic location: 12p13.33.
Variant type: single nucleotide variant.
Coding change: c.5444+616G>A on transcript NM_000719.7 (MANE Select); 616 bases into the intron after coding-DNA position 5444, G replaced by A.
Molecular consequence: intron variant. On other transcripts: missense variant (1).
Genome position (GRCh38, 1-based): chr12:2,680,412, G>A. VCF-style: chr12-2680412-G-A. GRCh37 (hg19) VCF-style: chr12-2789578-G-A.
Other names: c.5501+616G>A (NM_001129834.2, NM_001129835.2, NM_001129833.2); c.5468+616G>A (NM_001129837.2, NM_001129838.2); c.5462+616G>A (NM_001129839.2); c.5495+616G>A (NM_001129836.2); c.5444+616G>A (NM_001129841.2, NM_001129830.3, NM_001129843.2 and 4 more transcripts); c.5411+616G>A (NM_001129846.2); c.5435+616G>A (NM_001129844.2); c.5461G>A, p.Gly1821Ser (NM_001167625.2); and 4 more; short protein forms G1821S.
Identifiers: ClinVar variation 4282484 (VCV004282484.1).